The following is an entry in ClinVar:

ClinVar aggregate classification (germline): Likely benign. Review status: criteria provided, multiple submitters, no conflicts (2 of 4 stars). 2 submissions from 2 submitters: Likely benign (2). Last evaluated 2025-06-03.

Conditions:
Atrioventricular septal defect 5 (AVSD5). Identifiers: MedGen C3280939, MONDO:0013769, OMIM 614474.

Allele frequency attached by ClinVar (database versions not stated): TOPMed below 0.00001; gnomAD exomes below 0.00001.
gnomAD v4.1: 2 of 1,264,320 alleles (0.00016%); highest among the groups gnomAD compares: Non-Finnish European, 0.0002%; no homozygotes.

Submissions (2):

Labcorp Genetics (formerly Invitae), Labcorp
Classification: Likely benign for Atrioventricular septal defect 5. Last evaluated: 2025-06-03. Review status: criteria provided, single submitter. Criteria: Invitae Variant Classification Sherloc (09022015). Collection method: clinical testing. Allele origin: germline.

CeGaT Center for Human Genetics Tuebingen
Classification: Likely benign. Last evaluated: 2024-12-01. Review status: criteria provided, single submitter. Criteria: CeGaT Center For Human Genetics Tuebingen Variant Classification Criteria Version 2. Collection method: clinical testing. Allele origin: germline. Affected: yes. Observed: 1 variant allele.
Comment: GATA6: BP4, BP7

NM_005257.6(GATA6):c.900G>C (p.Leu300=)

Gene: GATA6 (GATA binding protein 6; plus strand). Cytogenetic location: 18q11.2.
Variant type: single nucleotide variant.
Coding change: c.900G>C on transcript NM_005257.6 (MANE Select); coding-DNA position 900, G replaced by C.
Protein change: p.Leu300=; no amino-acid change (leucine 300 retained).
Molecular consequence: synonymous variant.
Genome position (GRCh38, 1-based): chr18:22,172,044, G>C. VCF-style: chr18-22172044-G-C. GRCh37 (hg19) VCF-style: chr18-19752005-G-C.
Identifiers: ClinVar variation 412720 (VCV000412720.23), dbSNP rs1060503826, ClinGen allele CA16616005.
Genomic context (GRCh38, chr18:22,172,044, plus strand): 5'-AGGCTACGCGGCGGCGGGCAGTGGGGGCGCGGGAGGCGTGAGCGGCGGCGGCAGTAGCCT[G>C]GCGGCCATGGGCGGCCGCGAGCCCCAGTACAGCTCGCTGTCGGCCGCGCGGCCGCTGAAC-3'
Protein context (NP_005248.2, residues 290-310): AGGVSGGGSS[Leu300=]AAMGGREPQY